The following is an entry in ClinVar:

ClinVar aggregate classification (germline): Uncertain significance (1 of 4 stars; one submission).

Allele frequency attached by ClinVar (database versions not stated): gnomAD exomes below 0.00001.
gnomAD v4.1: 1 of 1,613,956 alleles (0.000062%); highest among the groups gnomAD compares: South Asian, 0.0011%; no homozygotes.

Submission:

GeneDx
Classification: Uncertain significance. Last evaluated: 2023-03-18. Review status: criteria provided, single submitter. Criteria: GeneDx Variant Classification Process June 2021. Collection method: clinical testing. Allele origin: germline. Affected: yes.
Comment: Not observed at significant frequency in large population cohorts (gnomAD); In silico analysis supports that this missense variant has a deleterious effect on protein structure/function; Has not been previously published as pathogenic or benign to our knowledge

NM_004369.4(COL6A3):c.4091T>C (p.Val1364Ala)

Gene: COL6A3 (collagen type VI alpha 3 chain; minus strand). Cytogenetic location: 2q37.3.
Variant type: single nucleotide variant.
Coding change: c.4091T>C on transcript NM_004369.4 (MANE Select); coding-DNA position 4091, T replaced by C.
Protein change: p.Val1364Ala; replaces valine 1364 with alanine.
Molecular consequence: missense variant.
Genome position (GRCh38, 1-based): chr2:237,371,926, A>G on the plus strand (T>C on the coding strand, the complement: COL6A3 is on the minus strand). VCF-style: chr2-237371926-A-G. GRCh37 (hg19) VCF-style: chr2-238280569-A-G.
Other names: c.2870T>C, p.Val957Ala (NM_057164.5); c.3473T>C, p.Val1158Ala (NM_057165.5, NM_057167.4); c.2270T>C, p.Val757Ala (NM_057166.5); short protein forms V1158A, V1364A, V757A, V957A.
Identifiers: ClinVar variation 2580823 (VCV002580823.1), dbSNP rs2469896685, ClinGen allele CA351197053.